The following is an entry in ClinVar:

NM_001164496.2(CFAP44):c.2091G>A (p.Glu697=)

Genes: CFAP44 (cilia and flagella associated protein 44; minus strand), SPICE1-CFAP44 (SPICE1-CFAP44 readthrough (NMD candidate); minus strand). Cytogenetic location: 3q13.2.
Variant type: single nucleotide variant.
Coding change: c.2091G>A on transcript NM_001164496.2 (MANE Select); coding-DNA position 2091, G replaced by A.
Protein change: p.Glu697=; no amino-acid change (glutamic acid 697 retained).
Molecular consequence: synonymous variant. On other transcripts: non-coding transcript variant (5).
Genome position (GRCh38, 1-based): chr3:113,379,513, C>T on the plus strand (G>A on the coding strand, the complement: CFAP44 is on the minus strand). VCF-style: chr3-113379513-C-T. GRCh37 (hg19) VCF-style: chr3-113098360-C-T.
Other names: c.2091G>A, p.Glu697= (NM_018338.3).
Identifiers: ClinVar variation 3777890 (VCV003777890.7).

ClinVar aggregate classification (germline): Likely benign (1 of 4 stars; one submission).

gnomAD v4.1: 48 of 1,599,216 alleles (0.003%); highest among the groups gnomAD compares: South Asian, 0.052%; no homozygotes.

Submission:

CeGaT Center for Human Genetics Tuebingen
Classification: Likely benign. Last evaluated: 2025-03-01. Review status: criteria provided, single submitter. Criteria: CeGaT Center For Human Genetics Tuebingen Variant Classification Criteria Version 2. Collection method: clinical testing. Allele origin: germline. Affected: yes. Observed: 1 variant allele.
Comment: CFAP44: BP4, BP7